The following is an entry in ClinVar:

ClinVar aggregate classification (germline): Uncertain significance (1 of 4 stars; one submission).

Conditions:
Inborn genetic diseases. Identifiers: MedGen C0950123, MeSH D030342.

Submission:

Ambry Genetics
Classification: Uncertain significance for Inborn genetic diseases. Last evaluated: 2026-07-16. Review status: criteria provided, single submitter. Criteria: Ambry Variant Classification Scheme 2023. Collection method: clinical testing. Allele origin: germline.
Comment: The p.P1272S variant (also known as c.3814C>T), located in coding exon 13 of the ASXL1 gene, results from a C to T substitution at nucleotide position 3814. The proline at codon 1272 is replaced by serine, an amino acid with similar properties. This amino acid position is conserved. In addition, this alteration is predicted to be tolerated by in silico analysis. Based on the available evidence, the clinical significance of this variant remains unclear.

NM_015338.6(ASXL1):c.3814C>T (p.Pro1272Ser)

Gene: ASXL1 (ASXL transcriptional regulator 1; plus strand). Cytogenetic location: 20q11.21.
Variant type: single nucleotide variant.
Coding change: c.3814C>T on transcript NM_015338.6 (MANE Select); coding-DNA position 3814, C replaced by T.
Protein change: p.Pro1272Ser; replaces proline 1272 with serine.
Molecular consequence: missense variant.
Genome position (GRCh38, 1-based): chr20:32,436,526, C>T. VCF-style: chr20-32436526-C-T. GRCh37 (hg19) VCF-style: chr20-31024329-C-T.
Other names: c.3631C>T, p.Pro1211Ser (NM_001363734.1); short protein forms P1272S, P1211S.
Identifiers: ClinVar variation 5029923 (VCV005029923.1).